The following is an entry in ClinVar:

ClinVar aggregate classification (germline): Uncertain significance. Review status: criteria provided, multiple submitters, no conflicts (2 of 4 stars). 3 submissions from 3 submitters: Uncertain significance (3). Last evaluated 2026-06-23.

Conditions:
Inborn genetic diseases. Identifiers: MedGen C0950123, MeSH D030342.

Allele frequency attached by ClinVar (database versions not stated): 1000 Genomes Project 30x 0.00031; gnomAD exomes 0.00002; gnomAD 0.00008 and 0.00009; ExAC 0.00003; 1000 Genomes Project 0.00020; TOPMed 0.00037; ESP Exome Variant Server 0.00008.
gnomAD v4.1: 47 of 1,614,158 alleles (0.0029%); highest among the groups gnomAD compares: Admixed American, 0.027%; no homozygotes.

Submissions (3):

Ambry Genetics
Classification: Uncertain significance for Inborn genetic diseases. Last evaluated: 2026-06-23. Review status: criteria provided, single submitter. Criteria: Ambry Variant Classification Scheme 2023. Collection method: clinical testing. Allele origin: germline.
Comment: The c.3947G>A (p.R1316Q) alteration is located in exon 35 (coding exon 35) of the UBR1 gene. This alteration results from a G to A substitution at nucleotide position 3947, causing the arginine (R) at amino acid position 1316 to be replaced by a glutamine (Q). Based on data from gnomAD, the A allele has an overall frequency of 0.002% (4/251486) total alleles studied. The highest observed frequency was 0.006% (1/16256) of African alleles. Based on insufficient or conflicting evidence, the clinical significance of this alteration remains unclear.

Labcorp Genetics (formerly Invitae), Labcorp
Classification: Uncertain significance. Last evaluated: 2022-08-23. Review status: criteria provided, single submitter. Criteria: Invitae Variant Classification Sherloc (09022015). Collection method: clinical testing. Allele origin: germline.
Comment: This sequence change replaces arginine, which is basic and polar, with glutamine, which is neutral and polar, at codon 1316 of the UBR1 protein (p.Arg1316Gln). This variant is present in population databases (rs138510410, gnomAD 0.006%). This variant has not been reported in the literature in individuals affected with UBR1-related conditions. ClinVar contains an entry for this variant (Variation ID: 1397069). Algorithms developed to predict the effect of missense changes on protein structure and function (SIFT, PolyPhen-2, Align-GVGD) all suggest that this variant is likely to be disruptive. In summary, the available evidence is currently insufficient to determine the role of this variant in disease. Therefore, it has been classified as a Variant of Uncertain Significance.

GeneDx
Classification: Uncertain significance. Last evaluated: 2022-03-23. Review status: criteria provided, single submitter. Criteria: GeneDx Variant Classification Process June 2021. Collection method: clinical testing. Allele origin: germline. Affected: yes.
Comment: In silico analysis supports that this missense variant has a deleterious effect on protein structure/function; Has not been previously published as pathogenic or benign to our knowledge

NM_174916.3(UBR1):c.3947G>A (p.Arg1316Gln)

Gene: UBR1 (ubiquitin protein ligase E3 component n-recognin 1; minus strand). Cytogenetic location: 15q15.2.
Variant type: single nucleotide variant.
Coding change: c.3947G>A on transcript NM_174916.3 (MANE Select); coding-DNA position 3947, G replaced by A.
Protein change: p.Arg1316Gln; replaces arginine 1316 with glutamine.
Molecular consequence: missense variant.
Genome position (GRCh38, 1-based): chr15:42,988,869, C>T on the plus strand (G>A on the coding strand, the complement: UBR1 is on the minus strand). VCF-style: chr15-42988869-C-T. GRCh37 (hg19) VCF-style: chr15-43281067-C-T.
Other names: short protein forms R1316Q.
Identifiers: ClinVar variation 1397069 (VCV001397069.6), dbSNP rs138510410, ClinGen allele CA7518051.
Genomic context (GRCh38, chr15:42,988,869, plus strand): 5'-TGAGCTTTACCAATTGCCTGGATAGTGAAAGCGCAGGTGCTCCAGGTCAGCATGGGGACT[C>T]GAGGATCCCTTTCATCAGGTGGCACTTTCAATCCAATTCTATAAATTGTTGTGGCAAAGA-3'
Protein context (NP_777576.1, residues 1306-1326): LKVPPDERDP[Arg1316Gln]VPMLTWSTCA